The following is an entry in ClinVar:

NM_020708.5(SLC12A5):c.1387C>G (p.Arg463Gly)

Gene: SLC12A5 (solute carrier family 12 member 5; plus strand). Cytogenetic location: 20q13.12.
Variant type: single nucleotide variant.
Coding change: c.1387C>G on transcript NM_020708.5 (MANE Select); coding-DNA position 1387, C replaced by G.
Protein change: p.Arg463Gly; replaces arginine 463 with glycine.
Molecular consequence: missense variant.
Genome position (GRCh38, 1-based): chr20:46,043,926, C>G. VCF-style: chr20-46043926-C-G. GRCh37 (hg19) VCF-style: chr20-44672565-C-G.
Other names: c.1456C>G, p.Arg486Gly (NM_001134771.2); short protein forms R463G, R486G.
Identifiers: ClinVar variation 2002286 (VCV002002286.4), dbSNP rs769265263, ClinGen allele CA409193549.
Genomic context (GRCh38, chr20:46,043,926, plus strand): 5'-TCTGCTGCAGACATCAGCTCCGTTGTTCTGTTTGGGGCCTGCATTGAGGGGGTCGTCCTG[C>G]GGGACAAGTAAGATAATTGGGGTTGATCCTATTCTGGGGGAGGGGTGGGTATAGAAGGCT-3'
Protein context (NP_065759.1, residues 453-473): FGACIEGVVL[Arg463Gly]DKFGEAVNGN

ClinVar aggregate classification (germline): Uncertain significance (1 of 4 stars; one submission).

Conditions:
Developmental and epileptic encephalopathy, 34 (DEE34). Also called: SLC12A5-Related Epilepsy of Infancy with Migrating Focal Seizures; Early infantile epileptic encephalopathy 34. Identifiers: Orphanet 293181, MedGen C4225257, MONDO:0014718, OMIM 616645.

Submission:

Labcorp Genetics (formerly Invitae), Labcorp
Classification: Uncertain significance for Developmental and epileptic encephalopathy, 34. Last evaluated: 2025-05-05. Review status: criteria provided, single submitter. Criteria: Invitae Variant Classification Sherloc (09022015). Collection method: clinical testing. Allele origin: germline.
Comment: This sequence change replaces arginine, which is basic and polar, with glycine, which is neutral and non-polar, at codon 463 of the SLC12A5 protein (p.Arg463Gly). This variant is not present in population databases (gnomAD no frequency). This variant has not been reported in the literature in individuals affected with SLC12A5-related conditions. ClinVar contains an entry for this variant (Variation ID: 2002286). Invitae Evidence Modeling of protein sequence and biophysical properties (such as structural, functional, and spatial information, amino acid conservation, physicochemical variation, residue mobility, and thermodynamic stability) indicates that this missense variant is expected to disrupt SLC12A5 protein function with a positive predictive value of 80%. Algorithms developed to predict the effect of sequence changes on RNA splicing suggest that this variant may disrupt the consensus splice site. In summary, the available evidence is currently insufficient to determine the role of this variant in disease. Therefore, it has been classified as a Variant of Uncertain Significance.